The following is an entry in ClinVar:

ClinVar aggregate classification (germline): Likely benign. Review status: criteria provided, multiple submitters, no conflicts (2 of 4 stars). 2 submissions from 2 submitters: Likely benign (2). Last evaluated 2018-01-12.

Conditions:
Factor 5 and Factor VIII, combined deficiency of, 2. Identifiers: Orphanet 35909, MedGen C3150889, MONDO:0013331, OMIM 613625.

Allele frequency attached by ClinVar (database versions not stated): ExAC 0.00171; 1000 Genomes Project 0.00379; ESP Exome Variant Server 0.00546; gnomAD exomes 0.00054 and 0.00132; 1000 Genomes Project 30x 0.00375; gnomAD 0.00522 and 0.00567; TOPMed 0.00584.
gnomAD v4.1: 1,510 of 1,522,600 alleles (0.099%); highest among the groups gnomAD compares: African/African-American, 2%; 15 homozygotes.

Submissions (2):

Illumina Laboratory Services, Illumina
Classification: Likely benign for Factor 5 and Factor VIII, combined deficiency of, 2. Last evaluated: 2018-01-12. Review status: criteria provided, single submitter. Criteria: ICSL Variant Classification Criteria 13 December 2019. Collection method: clinical testing. Allele origin: germline.
Comment: This variant was observed in the ICSL laboratory as part of a predisposition screen in an ostensibly healthy population. It had not been previously curated by ICSL or reported in the Human Gene Mutation Database (HGMD: prior to June 1st, 2018), and was therefore a candidate for classification through an automated scoring system. Utilizing variant allele frequency, disease prevalence and penetrance estimates, and inheritance mode, an automated score was calculated to assess if this variant is too frequent to cause the disease. Based on the score and internal cut-off values, a variant classified as likely benign is not then subjected to further curation. The score for this variant resulted in a classification of likely benign for this disease.

Breakthrough Genomics
Classification: Likely benign. Review status: criteria provided, single submitter. Criteria: ACMG Guidelines, 2015. Collection method: not provided. Allele origin: germline. Inheritance: Unknown mechanism. Affected: yes.

NM_139279.6(MCFD2):c.310-11G>C

Genes: MCFD2 (multiple coagulation factor deficiency 2, ER cargo receptor complex subunit; minus strand), MCFD2-AS1 (MCFD2 antisense RNA 1; plus strand). Cytogenetic location: 2p21.
Variant type: single nucleotide variant.
Coding change: c.310-11G>C on transcript NM_139279.6 (MANE Select); 11 bases into the intron before coding-DNA position 310, G replaced by C.
Molecular consequence: intron variant.
Genome position (GRCh38, 1-based): chr2:46,905,605, C>G on the plus strand (G>C on the coding strand, the complement: MCFD2 is on the minus strand). VCF-style: chr2-46905605-C-G. GRCh37 (hg19) VCF-style: chr2-47132744-C-G.
Other names: c.310-11G>C (NM_001171508.2, NM_001171507.2, NM_001171506.2); c.253-11G>C (NM_001171511.3); c.154-11G>C (NM_001171510.3, NM_001171509.3).
Identifiers: ClinVar variation 336382 (VCV000336382.6), dbSNP rs144139062, ClinGen allele CA1646866.